The following is an entry in ClinVar:

NM_001128840.3(CACNA1D):c.6040G>A (p.Gly2014Ser)

Gene: CACNA1D (calcium voltage-gated channel subunit alpha1 D; plus strand). Cytogenetic location: 3p21.1.
Variant type: single nucleotide variant.
Coding change: c.6040G>A on transcript NM_001128840.3 (MANE Select); coding-DNA position 6040, G replaced by A.
Protein change: p.Gly2014Ser; replaces glycine 2014 with serine.
Molecular consequence: missense variant.
Genome position (GRCh38, 1-based): chr3:53,810,146, G>A. VCF-style: chr3-53810146-G-A. GRCh37 (hg19) VCF-style: chr3-53844173-G-A.
Other names: c.6100G>A (NM_000720.2, NM_000720.3); c.6100G>A, p.Gly2034Ser (NM_000720.4); c.5968G>A, p.Gly1990Ser (NM_001128839.3); short protein forms G2034S, G2014S, G1990S.
Identifiers: ClinVar variation 1482189 (VCV001482189.11), dbSNP rs368340190, ClinGen allele CA2455346.
Genomic context (GRCh38, chr3:53,810,146, plus strand): 5'-ACACCGTGCTACACCCCCCTGATCCAAGTGGAGCAGTCAGAGGCCCTGGACCAGGTGAAC[G>A]GCAGCCTGCCGTCCCTGCACCGCAGCTCCTGGTACACAGACGAGCCCGACATCTCCTACC-3'
Protein context (NP_001122312.1, residues 2004-2024): EQSEALDQVN[Gly2014Ser]SLPSLHRSSW

ClinVar aggregate classification (germline): Uncertain significance. Review status: criteria provided, multiple submitters, no conflicts (2 of 4 stars). 4 submissions from 4 submitters: Uncertain significance (4). Last evaluated 2026-09-09.

Conditions:
CACNA1D-related disorder.

Allele frequency attached by ClinVar (database versions not stated): gnomAD 0.00003; gnomAD exomes 0.00003 and 0.00004; ExAC 0.00004; TOPMed 0.00005; ESP Exome Variant Server 0.00015.
gnomAD v4.1: 63 of 1,613,846 alleles (0.0039%); highest among the groups gnomAD compares: Non-Finnish European, 0.0047%; no homozygotes.

Submissions (4):

PreventionGenetics, part of Exact Sciences
Classification: Uncertain significance for CACNA1D-related condition. Last evaluated: 2026-09-09. Review status: criteria provided, single submitter. Criteria: ACMG Guidelines, 2015. Collection method: clinical testing. Allele origin: germline.
Comment: The CACNA1D c.6100G>A variant is predicted to result in the amino acid substitution p.Gly2034Ser. To our knowledge, this variant has not been reported in the literature. This variant is reported in 0.0062% of alleles in individuals of European (Non-Finnish) descent in gnomAD. At this time, the clinical significance of this variant is uncertain due to the absence of conclusive functional and genetic evidence.

Labcorp Genetics (formerly Invitae), Labcorp
Classification: Uncertain significance. Last evaluated: 2026-01-19. Review status: criteria provided, single submitter. Criteria: Invitae Variant Classification Sherloc (09022015). Collection method: clinical testing. Allele origin: germline.
Comment: This sequence change replaces glycine, which is neutral and non-polar, with serine, which is neutral and polar, at codon 2034 of the CACNA1D protein (p.Gly2034Ser). This variant is present in population databases (rs368340190, gnomAD 0.005%). This variant has not been reported in the literature in individuals affected with CACNA1D-related conditions. ClinVar contains an entry for this variant (Variation ID: 1482189). An algorithm developed to predict the effect of missense changes on protein structure and function (PolyPhen-2) suggests that this variant is likely to be tolerated. In summary, the available evidence is currently insufficient to determine the role of this variant in disease. Therefore, it has been classified as a Variant of Uncertain Significance.

GeneDx
Classification: Uncertain significance. Last evaluated: 2025-05-30. Review status: criteria provided, single submitter. Criteria: GeneDx Variant Classification Process June 2021. Collection method: clinical testing. Allele origin: germline. Affected: yes.
Comment: In silico analysis suggests that this missense variant does not alter protein structure/function; Has not been previously published as pathogenic or benign to our knowledge

Breakthrough Genomics
Classification: Uncertain significance. Review status: criteria provided, single submitter. Criteria: ACMG Guidelines, 2015. Collection method: not provided. Allele origin: germline. Inheritance: Autosomal recessive inheritance. Affected: yes.